The following is an entry in ClinVar:

ClinVar aggregate classification (germline): Uncertain significance (1 of 4 stars; one submission).

Submission:

Ambry Genetics
Classification: Uncertain significance. Last evaluated: 2022-05-22. Review status: criteria provided, single submitter. Criteria: Ambry Variant Classification Scheme 2023. Collection method: clinical testing. Allele origin: germline.
Comment: The p.P1372Q variant (also known as c.4115C>A), located in coding exon 37 of the KIF1B gene, results from a C to A substitution at nucleotide position 4115. The proline at codon 1372 is replaced by glutamine, an amino acid with similar properties. This amino acid position is conserved. In addition, the in silico prediction for this alteration is inconclusive. Since supporting evidence is limited at this time, the clinical significance of this alteration remains unclear.

NM_001365951.3(KIF1B):c.4253C>A (p.Pro1418Gln)

Gene: KIF1B (kinesin family member 1B; plus strand). Cytogenetic location: 1p36.22.
Variant type: single nucleotide variant.
Coding change: c.4253C>A on transcript NM_001365951.3 (MANE Select); coding-DNA position 4253, C replaced by A.
Protein change: p.Pro1418Gln; replaces proline 1418 with glutamine.
Molecular consequence: missense variant.
Genome position (GRCh38, 1-based): chr1:10,361,774, C>A. VCF-style: chr1-10361774-C-A. GRCh37 (hg19) VCF-style: chr1-10421832-C-A.
Other names: c.4253C>A, p.Pro1418Gln (NM_001365952.1); c.4115C>A, p.Pro1372Gln (NM_015074.3); short protein forms P1418Q, P1372Q.
Identifiers: ClinVar variation 1737953 (VCV001737953.2), dbSNP rs2521886221, ClinGen allele CA338317619.
Genomic context (GRCh38, chr1:10,361,774, plus strand): 5'-CTGTCATCACCAAGGATGTGTGCATGGTCTTCTACTCCCGAGATGCCAAGATCTCACCAC[C>A]ACGCTCTCTGCGTAGCCTCTTTGGCAGCGGCTACTCAAAGTCACCAGATTCGTAAGTTTT-3'
Protein context (NP_001352880.1, residues 1408-1428): FYSRDAKISP[Pro1418Gln]RSLRSLFGSG